The following is an entry in ClinVar:

ClinVar aggregate classification (germline): Uncertain significance. Review status: criteria provided, multiple submitters, no conflicts (2 of 4 stars). 2 submissions from 2 submitters: Uncertain significance (2). Last evaluated 2025-09-15.

Conditions:
Hereditary cancer-predisposing syndrome. Also called: Hereditary Cancer Syndrome; Hereditary neoplastic syndrome; Neoplastic Syndromes, Hereditary; Tumor predisposition. Identifiers: Orphanet 140162, MedGen C0027672, MeSH D009386, MONDO:0015356.

Allele frequency attached by ClinVar (database versions not stated): gnomAD exomes below 0.00001.
gnomAD v4.1: 1 of 1,612,796 alleles (0.000062%); highest among the groups gnomAD compares: Non-Finnish European, 0.000085%; no homozygotes.

Submissions (2):

Ambry Genetics
Classification: Uncertain significance for Hereditary cancer-predisposing syndrome. Last evaluated: 2025-09-15. Review status: criteria provided, single submitter. Criteria: Ambry Variant Classification Scheme 2023. Collection method: clinical testing. Allele origin: germline.
Comment: The p.V442I variant (also known as c.1324G>A), located in coding exon 10 of the APC gene, results from a G to A substitution at nucleotide position 1324. The valine at codon 442 is replaced by isoleucine, an amino acid with highly similar properties. This amino acid position is highly conserved in available vertebrate species. In addition, in silico predictors for this gene do not accurately predict pathogenicity. Missense alterations in APC are not a common cause of disease (Spier I et al. Genet Med. 2024 Feb;26(2):100992). Based on the available evidence, the clinical significance of this variant remains unclear.

GeneDx
Classification: Uncertain significance. Last evaluated: 2025-05-16. Review status: criteria provided, single submitter. Criteria: GeneDx Variant Classification Process June 2021. Collection method: clinical testing. Allele origin: germline. Affected: yes.
Comment: Not observed at significant frequency in large population cohorts (gnomAD); In silico analysis suggests that this missense variant does not alter protein structure/function; Has not been previously published as pathogenic or benign to our knowledge

NM_000038.6(APC):c.1324G>A (p.Val442Ile)

Gene: APC (APC regulator of Wnt signaling pathway; plus strand). Cytogenetic location: 5q22.2.
Variant type: single nucleotide variant.
Coding change: c.1324G>A on transcript NM_000038.6 (MANE Select); coding-DNA position 1324, G replaced by A.
Protein change: p.Val442Ile; replaces valine 442 with isoleucine.
Molecular consequence: missense variant.
Genome position (GRCh38, 1-based): chr5:112,821,907, G>A. VCF-style: chr5-112821907-G-A. GRCh37 (hg19) VCF-style: chr5-112157604-G-A.
Other names: c.1324G>A, p.Val442Ile (NM_001127510.3, NM_001354895.2, NM_001354896.2 and 4 more transcripts); c.1270G>A, p.Val424Ile (NM_001127511.3); c.1354G>A, p.Val452Ile (NM_001354897.2, NM_001407446.1); c.1249G>A, p.Val417Ile (NM_001354898.2, NM_001407451.1); c.1240G>A, p.Val414Ile (NM_001354899.2, NM_001407452.1); c.1147G>A, p.Val383Ile (NM_001354900.2, NM_001354901.2, NM_001407453.1); c.1051G>A, p.Val351Ile (NM_001354902.2); c.1021G>A, p.Val341Ile (NM_001354903.2, NM_001407454.1, NM_001407455.1 and 5 more transcripts); and 5 more; short protein forms V316I, V442I, V159I, V341I, V452I, V58I, V313I, V383I.
Identifiers: ClinVar variation 1769976 (VCV001769976.4), dbSNP rs2149791902, ClinGen allele CA16024203.